The following is an entry in ClinVar:

NM_020937.4(FANCM):c.4571A>G (p.Glu1524Gly)

Gene: FANCM (FA complementation group M; plus strand). Cytogenetic location: 14q21.2.
Variant type: single nucleotide variant.
Coding change: c.4571A>G on transcript NM_020937.4 (MANE Select); coding-DNA position 4571, A replaced by G.
Protein change: p.Glu1524Gly; replaces glutamic acid 1524 with glycine.
Molecular consequence: missense variant.
Genome position (GRCh38, 1-based): chr14:45,185,272, A>G. VCF-style: chr14-45185272-A-G. GRCh37 (hg19) VCF-style: chr14-45654475-A-G.
Other names: c.4493A>G, p.Glu1498Gly (NM_001308133.2); short protein forms E1524G, E1498G.
Identifiers: ClinVar variation 4844535 (VCV004844535.1).
Genomic context (GRCh38, chr14:45,185,272, plus strand): 5'-CTTAGCATGTAGCTAGGAAGTTTTTAGATGATGAAGCAGAACTTTCTGAAGAAGATGCAG[A>G]ATATGTTTCATCAGATGAAAATGATGAGTCAGAAAATGAACAAGATTCCTCATTACTTGA-3'
Protein context (NP_065988.1, residues 1514-1534): DEAELSEEDA[Glu1524Gly]YVSSDENDES

ClinVar aggregate classification (germline): Uncertain significance (1 of 4 stars; one submission).

Conditions:
Inborn genetic diseases. Identifiers: MedGen C0950123, MeSH D030342.

gnomAD v4.1: 1 of 1,603,730 alleles (0.000062%); highest among the groups gnomAD compares: East Asian, 0.0022%; no homozygotes.

Submission:

Ambry Genetics
Classification: Uncertain significance for Inborn genetic diseases. Last evaluated: 2026-01-19. Review status: criteria provided, single submitter. Criteria: Ambry Variant Classification Scheme 2023. Collection method: clinical testing. Allele origin: germline.
Comment: The p.E1524G variant (also known as c.4571A>G), located in coding exon 18 of the FANCM gene, results from an A to G substitution at nucleotide position 4571. The glutamic acid at codon 1524 is replaced by glycine, an amino acid with similar properties. This amino acid position is conserved. In addition, this alteration is predicted to be tolerated by in silico analysis. Based on the available evidence, the clinical significance of this variant remains unclear.